The following is an entry in ClinVar:

ClinVar aggregate classification (germline): Uncertain significance (1 of 4 stars; one submission).

Submission:

Labcorp Genetics (formerly Invitae), Labcorp
Classification: Uncertain significance. Last evaluated: 2023-03-24. Review status: criteria provided, single submitter. Criteria: Invitae Variant Classification Sherloc (09022015). Collection method: clinical testing. Allele origin: germline.
Comment: An algorithm developed to predict the effect of missense changes on protein structure and function (PolyPhen-2) suggests that this variant is likely to be tolerated. In summary, the available evidence is currently insufficient to determine the role of this variant in disease. Therefore, it has been classified as a Variant of Uncertain Significance. This variant has not been reported in the literature in individuals affected with CTR9-related conditions. This variant is not present in population databases (gnomAD no frequency). This sequence change replaces arginine, which is basic and polar, with leucine, which is neutral and non-polar, at codon 1077 of the CTR9 protein (p.Arg1077Leu).

NM_014633.5(CTR9):c.3230G>T (p.Arg1077Leu)

Gene: CTR9 (CTR9 component of Paf1/RNA polymerase II complex; plus strand). Cytogenetic location: 11p15.4.
Variant type: single nucleotide variant.
Coding change: c.3230G>T on transcript NM_014633.5 (MANE Select); coding-DNA position 3230, G replaced by T.
Protein change: p.Arg1077Leu; replaces arginine 1077 with leucine.
Molecular consequence: missense variant.
Genome position (GRCh38, 1-based): chr11:10,778,813, G>T. VCF-style: chr11-10778813-G-T. GRCh37 (hg19) VCF-style: chr11-10800360-G-T.
Other names: c.3158G>T, p.Arg1053Leu (NM_001346279.2); short protein forms R1053L, R1077L.
Identifiers: ClinVar variation 2849066 (VCV002849066.3), dbSNP rs758492695, ClinGen allele CA379679330.
Genomic context (GRCh38, chr11:10,778,813, plus strand): 5'-GTGATTCCGATGAGAACCAGAACAAGTCTGGCAGCGAGGCCGGCAGTCCCCGGAGGCCAC[G>T]AAGACAGCGGTCAGATCAGGACTCAGACAGTGACCAGCCATCCAGAAAGAGAAGGCCCTC-3'
Protein context (NP_055448.1, residues 1067-1087): GSEAGSPRRP[Arg1077Leu]RQRSDQDSDS